The following is an entry in ClinVar:

NM_024675.4(PALB2):c.1727G>A (p.Ser576Asn)

Gene: PALB2 (partner and localizer of BRCA2; minus strand). Cytogenetic location: 16p12.2.
Variant type: single nucleotide variant.
Coding change: c.1727G>A on transcript NM_024675.4 (MANE Select); coding-DNA position 1727, G replaced by A.
Protein change: p.Ser576Asn; replaces serine 576 with asparagine.
Molecular consequence: missense variant.
Genome position (GRCh38, 1-based): chr16:23,630,427, C>T on the plus strand (G>A on the coding strand, the complement: PALB2 is on the minus strand). VCF-style: chr16-23630427-C-T. GRCh37 (hg19) VCF-style: chr16-23641748-C-T.
Other names: short protein forms S576N.
Identifiers: ClinVar variation 245702 (VCV000245702.13), dbSNP rs879253907, ClinGen allele CA10584514.
Genomic context (GRCh38, chr16:23,630,427, plus strand): 5'-CCATCCCTATGAAATGGAGCCGTGAAAGCATCATCATCCAAGGATAAATAAGCACTATTA[C>T]TCCAAGAAAGGGAATCCTCTTTTTGATGACGACTTTTCTTCCCTAAAGAAGAAAAATAAG-3'
Protein context (NP_078951.2, residues 566-586): RHQKEDSLSW[Ser576Asn]NSAYLSLDDD

ClinVar aggregate classification (germline): Uncertain significance. Review status: criteria provided, multiple submitters, no conflicts (2 of 4 stars). 3 submissions from 3 submitters: Uncertain significance (3). Last evaluated 2024-03-28.

Conditions:
Hereditary cancer-predisposing syndrome. Also called: Tumor predisposition; Neoplastic Syndromes, Hereditary; Hereditary Cancer Syndrome; Hereditary neoplastic syndrome. Identifiers: Orphanet 140162, MedGen C0027672, MeSH D009386, MONDO:0015356.
Familial cancer of breast. Also called: Hereditary breast cancer; BREAST CANCER, FAMILIAL; hereditary breast carcinoma. Identifiers: Orphanet 227535, MedGen C0346153, MONDO:0016419, OMIM 114480. Disease mechanism: loss of function.

Submissions (3):

Color Diagnostics, LLC DBA Color Health
Classification: Uncertain significance for Hereditary cancer-predisposing syndrome. Last evaluated: 2024-03-28. Review status: criteria provided, single submitter. Criteria: ACMG Guidelines, 2015. Collection method: clinical testing. Allele origin: germline.
Comment: This missense variant replaces serine with asparagine at codon 576 of the PALB2 protein. Computational prediction suggests that this variant may not impact protein structure and function. To our knowledge, functional studies have not been reported for this variant. This variant has not been reported in individuals affected with PALB2-related disorders in the literature. This variant has not been identified in the general population by the Genome Aggregation Database (gnomAD). The available evidence is insufficient to determine the role of this variant in disease conclusively. Therefore, this variant is classified as a Variant of Uncertain Significance.

Labcorp Genetics (formerly Invitae), Labcorp
Classification: Uncertain significance for Familial cancer of breast. Last evaluated: 2023-02-03. Review status: criteria provided, single submitter. Criteria: Invitae Variant Classification Sherloc (09022015). Collection method: clinical testing. Allele origin: germline.
Comment: This sequence change replaces serine, which is neutral and polar, with asparagine, which is neutral and polar, at codon 576 of the PALB2 protein (p.Ser576Asn). In summary, the available evidence is currently insufficient to determine the role of this variant in disease. Therefore, it has been classified as a Variant of Uncertain Significance. Advanced modeling of protein sequence and biophysical properties (such as structural, functional, and spatial information, amino acid conservation, physicochemical variation, residue mobility, and thermodynamic stability) performed at Invitae indicates that this missense variant is not expected to disrupt PALB2 protein function. ClinVar contains an entry for this variant (Variation ID: 245702). This variant has not been reported in the literature in individuals affected with PALB2-related conditions. This variant is not present in population databases (gnomAD no frequency).

GeneDx
Classification: Uncertain significance. Last evaluated: 2016-02-22. Review status: criteria provided, single submitter. Criteria: GeneDx Variant Classification (06012015). Collection method: clinical testing. Allele origin: germline. Affected: yes.
Comment: This variant is denoted PALB2 c.1727G>A at the cDNA level, p.Ser576Asn (S576N) at the protein level, and results in the change of a Serine to an Asparagine (AGT>AAT). This variant has not, to our knowledge, been published in the literature as pathogenic or benign. PALB2 Ser576Asn was not observed in approximately 6,500 individuals of European and African American ancestry in the NHLBI Exome Sequencing Project, indicating it is not a common benign variant in these populations. Since Serine and Asparagine share similar properties, this is considered a conservative amino acid substitution. PALB2 Ser576Asn occurs at a position that is not conserved and is located within the DNA-binding domain (UniProt). In silico analyses predict that this variant is unlikely to alter protein structure or function. Based on currently available information, it is unclear whether PALB2 Ser576Asn is pathogenic or benign. We consider it to be a variant of uncertain significance.